The following is an entry in ClinVar:

ClinVar aggregate classification (germline): Benign. Review status: criteria provided, single submitter (1 of 4 stars). 2 submissions from 1 submitter: Benign (2). Last evaluated 2018-01-13.

Conditions:
Craniometaphyseal dysplasia, autosomal dominant (CMDD). Identifiers: Orphanet 1522, MedGen C1852502, MONDO:0007397, OMIM 123000.
Chondrocalcinosis 2. Also called: CALCIUM GOUT; CALCIUM PYROPHOSPHATE ARTHROPATHY; Familial calcium pyrophosphate deposition. Identifiers: Orphanet 1416, MedGen C0856830, MONDO:0007319, OMIM 118600.

Allele frequency attached by ClinVar (database versions not stated): gnomAD 0.00012 and 0.00013; gnomAD exomes 0.00017; TOPMed 0.00030; 1000 Genomes Project 0.00040; 1000 Genomes Project 30x 0.00047.
gnomAD v4.1: 26 of 195,690 alleles (0.013%); highest among the groups gnomAD compares: Admixed American, 0.07%; no homozygotes.

Submissions (2):

Illumina Laboratory Services, Illumina
Classification: Benign for Craniometaphyseal dysplasia, autosomal dominant. Last evaluated: 2018-01-13. Review status: criteria provided, single submitter. Criteria: ICSL Variant Classification Criteria 13 December 2019. Collection method: clinical testing. Allele origin: germline.
Comment: This variant was observed in the ICSL laboratory as part of a predisposition screen in an ostensibly healthy population. It had not been previously curated by ICSL or reported in the Human Gene Mutation Database (HGMD: prior to June 1st, 2018), and was therefore a candidate for classification through an automated scoring system. Utilizing variant allele frequency, disease prevalence and penetrance estimates, and inheritance mode, an automated score was calculated to assess if this variant is too frequent to cause the disease. Based on the score and internal cut-off values, a variant classified as benign is not then subjected to further curation. The score for this variant resulted in a classification of benign for this disease.

Illumina Laboratory Services, Illumina
Classification: Benign for Chondrocalcinosis 2. Last evaluated: 2018-01-13. Review status: criteria provided, single submitter. Criteria: ICSL Variant Classification Criteria 13 December 2019. Collection method: clinical testing. Allele origin: germline.
Comment: the same text as in the submission from Illumina Laboratory Services, Illumina above.

NM_054027.6(ANKH):c.*433G>A

Genes: ANKH (ANKH inorganic pyrophosphate transport regulator; minus strand), OTULIN (OTU deubiquitinase with linear linkage specificity; plus strand). Cytogenetic location: 5p15.2.
Variant type: single nucleotide variant.
Coding change: c.*433G>A on transcript NM_054027.6 (MANE Select); 433 bases downstream of the stop codon, G replaced by A.
Molecular consequence: 3 prime UTR variant.
Genome position (GRCh38, 1-based): chr5:14,710,764, C>T on the plus strand (G>A on the coding strand, the complement: ANKH is on the minus strand). VCF-style: chr5-14710764-C-T. GRCh37 (hg19) VCF-style: chr5-14710873-C-T.
Identifiers: ClinVar variation 351490 (VCV000351490.5), dbSNP rs189866379, ClinGen allele CA10619322.
Genomic context (GRCh38, chr5:14,710,764, plus strand): 5'-GGCCACCGGGGCTCCATCTCTTTGTACGGCCATGTGACTGGGAAGCAAATCAAAGGAAGC[C>T]GAGTTTTAACCTGTTGATTCTTAAGAGCGATGAAGGGGGACAGGAGAGTCTGTGGCCTGC-3'